The following is an entry in ClinVar:

ClinVar aggregate classification (germline): Uncertain significance (1 of 4 stars; one submission).

Conditions:
Hereditary cancer-predisposing syndrome. Also called: Neoplastic Syndromes, Hereditary; Hereditary Cancer Syndrome; Tumor predisposition; Hereditary neoplastic syndrome. Identifiers: Orphanet 140162, MedGen C0027672, MeSH D009386, MONDO:0015356.

Submission:

Ambry Genetics
Classification: Uncertain significance for Hereditary cancer-predisposing syndrome. Last evaluated: 2025-02-05. Review status: criteria provided, single submitter. Criteria: Ambry Variant Classification Scheme 2023. Collection method: clinical testing. Allele origin: germline.
Comment: The p.R150L variant (also known as c.449G>T), located in coding exon 6 of the POLE gene, results from a G to T substitution at nucleotide position 449. The arginine at codon 150 is replaced by leucine, an amino acid with dissimilar properties. This amino acid position is conserved. In addition, the in silico prediction for this alteration is inconclusive. Based on the available evidence, the clinical significance of this variant remains unclear.

NM_006231.4(POLE):c.449G>T (p.Arg150Leu)

Gene: POLE (DNA polymerase epsilon, catalytic subunit; minus strand). Cytogenetic location: 12q24.33.
Variant type: single nucleotide variant.
Coding change: c.449G>T on transcript NM_006231.4 (MANE Select); coding-DNA position 449, G replaced by T.
Protein change: p.Arg150Leu; replaces arginine 150 with leucine.
Molecular consequence: missense variant.
Genome position (GRCh38, 1-based): chr12:132,679,626, C>A on the plus strand (G>T on the coding strand, the complement: POLE is on the minus strand). VCF-style: chr12-132679626-C-A. GRCh37 (hg19) VCF-style: chr12-133256212-C-A.
Other names: short protein forms R150L.
Identifiers: ClinVar variation 3781581 (VCV003781581.1).